The following is an entry in ClinVar:

ClinVar aggregate classification (germline): Conflicting classifications of pathogenicity. Review status: criteria provided, conflicting classifications (1 of 4 stars). 2 submissions from 2 submitters: Likely pathogenic (1); Uncertain significance (1). Last evaluated 2026-01-28.

Conditions:
Familial thoracic aortic aneurysm and aortic dissection (TAAD). Also called: Thoracic aortic aneurysms and dissections. Identifiers: Orphanet 91387, MedGen C4707243, MONDO:0019625.

Allele frequency attached by ClinVar (database versions not stated): gnomAD exomes below 0.00001.
gnomAD v4.1: 1 of 1,614,206 alleles (0.000062%); highest among the groups gnomAD compares: Non-Finnish European, 0.000085%; no homozygotes.

Submissions (2):

Labcorp Genetics (formerly Invitae), Labcorp
Classification: Likely pathogenic for Familial thoracic aortic aneurysm and aortic dissection. Last evaluated: 2026-01-28. Review status: criteria provided, single submitter. Criteria: Invitae Variant Classification Sherloc (09022015). Collection method: clinical testing. Allele origin: germline.
Comment: This sequence change replaces serine, which is neutral and polar, with phenylalanine, which is neutral and non-polar, at codon 401 of the TGFBR2 protein (p.Ser401Phe). This variant is not present in population databases (gnomAD no frequency). This missense change has been observed in individuals with clinical features of TGFBR2-related conditions (PMID: 27879313; internal data). ClinVar contains an entry for this variant (Variation ID: 654639). Invitae Evidence Modeling incorporating data from in vitro experimental studies (internal data) indicates that this missense variant is expected to disrupt TGFBR2 function with a positive predictive value of 95%. In summary, the currently available evidence indicates that the variant is pathogenic, but additional data are needed to prove that conclusively. Therefore, this variant has been classified as Likely Pathogenic.

GeneDx
Classification: Uncertain significance. Last evaluated: 2020-01-22. Review status: criteria provided, single submitter. Criteria: GeneDx Variant Classification Process June 2021. Collection method: clinical testing. Allele origin: germline. Affected: yes.
Comment: Reported in two patients with aortic disease registered with the Montalcino Aortic Consortium (Jondeau et al., 2016); Not observed in large population cohorts (Lek et al., 2016); Reported in ClinVar as a variant of uncertain significance (ClinVar Variant ID# 654639; Landrum et al., 2016); In silico analysis, which includes protein predictors and evolutionary conservation, supports a deleterious effect; This variant is associated with the following publications: (PMID: 27879313, 9395234)

Literature cited by the submitters: PubMed 27879313 (cited by Labcorp Genetics (formerly Invitae), Labcorp).

NM_003242.6(TGFBR2):c.1202C>T (p.Ser401Phe)

Gene: TGFBR2 (transforming growth factor beta receptor 2; plus strand). Cytogenetic location: 3p24.1.
Variant type: single nucleotide variant.
Coding change: c.1202C>T on transcript NM_003242.6 (MANE Select); coding-DNA position 1202, C replaced by T.
Protein change: p.Ser401Phe; replaces serine 401 with phenylalanine.
Molecular consequence: missense variant.
Genome position (GRCh38, 1-based): chr3:30,672,385, C>T. VCF-style: chr3-30672385-C-T. GRCh37 (hg19) VCF-style: chr3-30713877-C-T.
Other names: c.1202C>T, p.Ser401Phe (NM_001407130.1); c.1097C>T, p.Ser366Phe (NM_001407132.1, NM_001407133.1, NM_001407134.1 and 2 more transcripts); c.917C>T, p.Ser306Phe (NM_001407137.1); c.842C>T, p.Ser281Phe (NM_001407138.1); c.1277C>T, p.Ser426Phe (NM_001024847.3); c.1385C>T, p.Ser462Phe (NM_001407126.1); c.1310C>T, p.Ser437Phe (NM_001407127.1); c.1229C>T, p.Ser410Phe (NM_001407128.1); and 1 more; short protein forms S401F, S426F, S306F, S402F, S462F, S281F, S410F, S437F.
Identifiers: ClinVar variation 654639 (VCV000654639.9), dbSNP rs1575158141, ClinGen allele CA351808754.
Genomic context (GRCh38, chr3:30,672,385, plus strand): 5'-AGAGCTCCAATATCCTCGTGAAGAACGACCTAACCTGCTGCCTGTGTGACTTTGGGCTTT[C>T]CCTGCGTCTGGACCCTACTCTGTCTGTGGATGACCTGGCTAACAGTGGGCAGGTAAGTTA-3'
Protein context (NP_003233.4, residues 391-411): LTCCLCDFGL[Ser401Phe]LRLDPTLSVD